The following is an entry in ClinVar:

ClinVar aggregate classification (germline): Uncertain significance. Review status: criteria provided, multiple submitters, no conflicts (2 of 4 stars). 3 submissions from 3 submitters: Uncertain significance (3). Last evaluated 2025-12-15.

Conditions:
Primary ciliary dyskinesia. Also called: Ciliary dyskinesia. Identifiers: Orphanet 244, MedGen C0008780, MONDO:0016575, HP:0012265.
Primary ciliary dyskinesia 12. Also called: CILIARY DYSKINESIA, PRIMARY, 12, WITHOUT SITUS INVERSUS. Identifiers: Orphanet 244, MedGen C2675228, MONDO:0012979, OMIM 612650.

Allele frequency attached by ClinVar (database versions not stated): ExAC 0.00002; gnomAD exomes 0.00003 and 0.00005; TOPMed 0.00006; ESP Exome Variant Server 0.00008; gnomAD 0.00009 and 0.00010; 1000 Genomes Project 30x 0.00016; 1000 Genomes Project 0.00020.
gnomAD v4.1: 85 of 1,614,046 alleles (0.0053%); highest among the groups gnomAD compares: African/African-American, 0.012%; no homozygotes.

Submissions (3):

Ambry Genetics
Classification: Uncertain significance for Primary ciliary dyskinesia. Last evaluated: 2025-12-15. Review status: criteria provided, single submitter. Criteria: Ambry Variant Classification Scheme 2023. Collection method: clinical testing. Allele origin: germline.

Labcorp Genetics (formerly Invitae), Labcorp
Classification: Uncertain significance for Primary ciliary dyskinesia. Last evaluated: 2022-07-01. Review status: criteria provided, single submitter. Criteria: Invitae Variant Classification Sherloc (09022015). Collection method: clinical testing. Allele origin: germline.
Comment: This variant is present in population databases (rs368519003, gnomAD 0.01%). In summary, the available evidence is currently insufficient to determine the role of this variant in disease. Therefore, it has been classified as a Variant of Uncertain Significance. Algorithms developed to predict the effect of missense changes on protein structure and function are either unavailable or do not agree on the potential impact of this missense change (SIFT: "Deleterious"; PolyPhen-2: "Probably Damaging"; Align-GVGD: "Class C0"). ClinVar contains an entry for this variant (Variation ID: 220293). This variant has not been reported in the literature in individuals affected with RSPH9-related conditions. This sequence change replaces arginine, which is basic and polar, with cysteine, which is neutral and slightly polar, at codon 139 of the RSPH9 protein (p.Arg139Cys).

Illumina Laboratory Services, Illumina
Classification: Uncertain significance for Primary ciliary dyskinesia 12. Last evaluated: 2018-01-12. Review status: criteria provided, single submitter. Criteria: ICSL Variant Classification Criteria 13 December 2019. Collection method: clinical testing. Allele origin: germline.

NM_152732.5(RSPH9):c.415C>T (p.Arg139Cys)

Gene: RSPH9 (radial spoke head component 9; plus strand). Cytogenetic location: 6p21.1.
Variant type: single nucleotide variant.
Coding change: c.415C>T on transcript NM_152732.5 (MANE Select); coding-DNA position 415, C replaced by T.
Protein change: p.Arg139Cys; replaces arginine 139 with cysteine.
Molecular consequence: missense variant. On other transcripts: non-coding transcript variant (2), intron variant (2).
Genome position (GRCh38, 1-based): chr6:43,655,583, C>T. VCF-style: chr6-43655583-C-T. GRCh37 (hg19) VCF-style: chr6-43623320-C-T.
Other names: c.415C>T, p.Arg139Cys (NM_001424121.1, NM_001424119.1); c.394-24C>T (NM_001193341.2, NM_001424120.1); short protein forms R139C.
Identifiers: ClinVar variation 220293 (VCV000220293.14), dbSNP rs368519003, ClinGen allele CA350508.